The following is an entry in ClinVar:

ClinVar aggregate classification (germline): Conflicting classifications of pathogenicity. Review status: criteria provided, conflicting classifications (1 of 4 stars). 6 submissions from 6 submitters: Likely pathogenic (4); Uncertain significance (2). Last evaluated 2025-03-20.

Conditions:
Nephronophthisis 11 (NPHP11). Identifiers: Orphanet 84081, MedGen C3150796, MONDO:0013302, OMIM 613550.
Joubert syndrome 6 (JBTS6). Identifiers: Orphanet 475, MedGen C1853153, MONDO:0012539, OMIM 610688.
Bardet-Biedl syndrome 14 (BBS14). Identifiers: Orphanet 110, MedGen C2673874, MONDO:0014442, OMIM 615991.
Meckel syndrome, type 3 (MKS3). Also called: MECKEL-GRUBER SYNDROME, TYPE 3. Identifiers: Orphanet 564, MedGen C1846357, MONDO:0011821, OMIM 607361.
RHYNS syndrome. Also called: RETINITIS PIGMENTOSA SYNDROME; RETINITIS PIGMENTOSA, HYPOPITUITARISM, NEPHRONOPHTHISIS, AND MILD SKELETAL DYSPLASIA. Identifiers: Orphanet 140976, MedGen C1865794, MONDO:0011202, OMIM 602152.
COACH syndrome 1. Identifiers: Orphanet 1454, MedGen C5435651, MONDO:0800103, OMIM 216360, MONDO:0008996.
Meckel-Gruber syndrome. Also called: DYSENCEPHALIA SPLANCHNOCYSTICA; GRUBER SYNDROME; Dysencephalia splachnocystica. Identifiers: Orphanet 564, MedGen C0265215, MONDO:0018921.
Joubert syndrome. Also called: JOUBERT-BOLTSHAUSER SYNDROME; Familial aplasia of the vermis. Identifiers: Orphanet 475, MedGen C5979921, MONDO:0018772.
TMEM67-related disorder. Also called: TMEM67-related disorders; TMEM67-related condition. Identifiers: MedGen CN239423.

Allele frequency attached by ClinVar (database versions not stated): ExAC 0.00001; gnomAD exomes 0.00001; TOPMed 0.00002.
gnomAD v4.1: 18 of 1,613,752 alleles (0.0011%); highest among the groups gnomAD compares: South Asian, 0.0022%; no homozygotes.

Submissions (6):

GeneDx
Classification: Uncertain significance. Last evaluated: 2025-03-20. Review status: criteria provided, single submitter. Criteria: GeneDx Variant Classification Process June 2021. Collection method: clinical testing. Allele origin: germline. Affected: yes.
Comment: Not observed at significant frequency in large population cohorts (gnomAD); In silico analysis supports that this missense variant has a deleterious effect on protein structure/function; Has not been previously published as pathogenic or benign to our knowledge

Fulgent Genetics
Classification: Uncertain significance for COACH syndrome 1; RHYNS syndrome; Meckel syndrome, type 3; Joubert syndrome 6; Nephronophthisis 11; Bardet-Biedl syndrome 14. Last evaluated: 2024-02-08. Review status: criteria provided, single submitter. Criteria: ACMG Guidelines, 2015. Collection method: clinical testing. Allele origin: germline.

Blueprint Genetics
Classification: Likely pathogenic for TMEM67-related disorders. Last evaluated: 2023-07-14. Review status: criteria provided, single submitter. Criteria: ACMG Guidelines, 2015. Collection method: clinical testing. Allele origin: germline. Affected: yes. Observed: 3 variant alleles.

Labcorp Genetics (formerly Invitae), Labcorp
Classification: Likely pathogenic for Joubert syndrome; Meckel-Gruber syndrome. Last evaluated: 2022-11-24. Review status: criteria provided, single submitter. Criteria: Invitae Variant Classification Sherloc (09022015). Collection method: clinical testing. Allele origin: germline.
Comment: This sequence change replaces arginine, which is basic and polar, with histidine, which is basic and polar, at codon 441 of the TMEM67 protein (p.Arg441His). This variant is present in population databases (rs386834183, gnomAD 0.003%). This variant has not been reported in the literature in individuals affected with TMEM67-related conditions. ClinVar contains an entry for this variant (Variation ID: 972688). Advanced modeling of protein sequence and biophysical properties (such as structural, functional, and spatial information, amino acid conservation, physicochemical variation, residue mobility, and thermodynamic stability) performed at Invitae indicates that this missense variant is expected to disrupt TMEM67 protein function. This variant disrupts the p.Arg441 amino acid residue in TMEM67. Other variant(s) that disrupt this residue have been determined to be pathogenic (PMID: 19574260, 23351400). This suggests that this residue is clinically significant, and that variants that disrupt this residue are likely to be disease-causing. In summary, the currently available evidence indicates that the variant is pathogenic, but additional data are needed to prove that conclusively. Therefore, this variant has been classified as Likely Pathogenic.

CeGaT Center for Human Genetics Tuebingen
Classification: Likely pathogenic. Last evaluated: 2020-12-01. Review status: criteria provided, single submitter. Criteria: CeGaT Center For Human Genetics Tuebingen Variant Classification Criteria Version 2. Collection method: clinical testing. Allele origin: germline. Affected: yes. Observed: 2 variant alleles.

MVZ Martinsried, Medicover Genetics
Classification: Likely pathogenic for Meckel syndrome, type 3. Last evaluated: 2020-03-05. Review status: criteria provided, single submitter. Criteria: ACMG Guidelines, 2015. Collection method: clinical testing. Allele origin: unknown. Affected: yes.

Literature cited by the submitters: PubMed 19574260 (cited by Labcorp Genetics (formerly Invitae), Labcorp); PubMed 23351400 (cited by Labcorp Genetics (formerly Invitae), Labcorp).

NM_153704.6(TMEM67):c.1322G>A (p.Arg441His)

Gene: TMEM67 (transmembrane protein 67; plus strand). Cytogenetic location: 8q22.1.
Variant type: single nucleotide variant.
Coding change: c.1322G>A on transcript NM_153704.6 (MANE Select); coding-DNA position 1322, G replaced by A.
Protein change: p.Arg441His; replaces arginine 441 with histidine.
Molecular consequence: missense variant. On other transcripts: non-coding transcript variant (1).
Genome position (GRCh38, 1-based): chr8:93,786,256, G>A. VCF-style: chr8-93786256-G-A. GRCh37 (hg19) VCF-style: chr8-94798484-G-A.
Other names: c.1079G>A, p.Arg360His (NM_001142301.1); short protein forms R360H, R441H.
Identifiers: ClinVar variation 972688 (VCV000972688.47), dbSNP rs386834183, ClinGen allele CA4807931.